The following is an entry in ClinVar:

NM_002661.5(PLCG2):c.1051A>G (p.Met351Val)

Gene: PLCG2 (phospholipase C gamma 2; plus strand). Cytogenetic location: 16q23.3.
Variant type: single nucleotide variant.
Coding change: c.1051A>G on transcript NM_002661.5 (MANE Select); coding-DNA position 1051, A replaced by G.
Protein change: p.Met351Val; replaces methionine 351 with valine.
Molecular consequence: missense variant.
Genome position (GRCh38, 1-based): chr16:81,893,773, A>G. VCF-style: chr16-81893773-A-G. GRCh37 (hg19) VCF-style: chr16-81927378-A-G.
Other names: c.1051A>G, p.Met351Val (NM_001425749.1, NM_001425750.1, NM_001425751.1); short protein forms M351V.
Identifiers: ClinVar variation 4738764 (VCV004738764.1).

ClinVar aggregate classification (germline): Uncertain significance (1 of 4 stars; one submission).

Conditions:
Familial cold autoinflammatory syndrome 3 (FCAS3). Also called: FAMILIAL ATYPICAL COLD URTICARIA; ANTIBODY DEFICIENCY AND IMMUNE DYSREGULATION, PLCG2-ASSOCIATED. Identifiers: Orphanet 300359, MedGen C3280914, MONDO:0013766, OMIM 614468.

gnomAD v4.1: 5 of 1,611,792 alleles (0.00031%); highest among the groups gnomAD compares: African/African-American, 0.0027%; no homozygotes.

Submission:

Labcorp Genetics (formerly Invitae), Labcorp
Classification: Uncertain significance for Familial cold autoinflammatory syndrome 3. Last evaluated: 2025-05-19. Review status: criteria provided, single submitter. Criteria: Invitae Variant Classification Sherloc (09022015). Collection method: clinical testing. Allele origin: germline.
Comment: This sequence change replaces methionine, which is neutral and non-polar, with valine, which is neutral and non-polar, at codon 351 of the PLCG2 protein (p.Met351Val). This variant is present in population databases (no rsID available, gnomAD 0.004%). This variant has not been reported in the literature in individuals affected with PLCG2-related conditions. An algorithm developed to predict the effect of missense changes on protein structure and function (PolyPhen-2) suggests that this variant is likely to be tolerated. In summary, the available evidence is currently insufficient to determine the role of this variant in disease. Therefore, it has been classified as a Variant of Uncertain Significance.